The following is an entry in ClinVar:

ClinVar aggregate classification (germline): Uncertain significance (1 of 4 stars; one submission).

gnomAD v4.1: 1 of 1,613,298 alleles (0.000062%); highest among the groups gnomAD compares: Admixed American, 0.0017%; no homozygotes.

Submission:

Labcorp Genetics (formerly Invitae), Labcorp
Classification: Uncertain significance. Last evaluated: 2025-06-12. Review status: criteria provided, single submitter. Criteria: Invitae Variant Classification Sherloc (09022015). Collection method: clinical testing. Allele origin: germline.
Comment: This sequence change falls in intron 21 of the NUP205 gene. It does not directly change the encoded amino acid sequence of the NUP205 protein. It affects a nucleotide within the consensus splice site. This variant is present in population databases (rs758078430, gnomAD 0.003%). This variant has not been reported in the literature in individuals affected with NUP205-related conditions. ClinVar contains an entry for this variant (Variation ID: 3623658). Variants that disrupt the consensus splice site are a relatively common cause of aberrant splicing (PMID: 17576681, 9536098). Algorithms developed to predict the effect of sequence changes on RNA splicing suggest that this variant may disrupt the consensus splice site. In summary, the available evidence is currently insufficient to determine the role of this variant in disease. Therefore, it has been classified as a Variant of Uncertain Significance.

Literature cited by the submitters: PubMed 17576681; PubMed 9536098.

NM_015135.3(NUP205):c.3070+3A>G

Gene: NUP205 (nucleoporin 205; plus strand). Cytogenetic location: 7q33.
Variant type: single nucleotide variant.
Coding change: c.3070+3A>G on transcript NM_015135.3 (MANE Select); 3 bases into the intron after coding-DNA position 3070, A replaced by G.
Molecular consequence: intron variant.
Genome position (GRCh38, 1-based): chr7:135,606,918, A>G. VCF-style: chr7-135606918-A-G. GRCh37 (hg19) VCF-style: chr7-135291666-A-G.
Other names: c.1996+3A>G (NM_001329434.2).
Identifiers: ClinVar variation 3623658 (VCV003623658.2).